The following is an entry in ClinVar:

ClinVar aggregate classification (germline): Uncertain significance. Review status: criteria provided, multiple submitters, no conflicts (2 of 4 stars). 2 submissions from 2 submitters: Uncertain significance (2). Last evaluated 2024-04-16.

Conditions:
Malignant hyperthermia, susceptibility to, 1 (MHS1). Also called: Anesthesia related hyperthermia; Malignant hyperpyrexia; Fulminating hyperpyrexia; Pharmacogenic myopathy; RYR1-Related Malignant Hyperthermia Susceptibility; Malignant hyperthermia suceptibility 1. Identifiers: Orphanet 423, MedGen C2930980, MONDO:0007783, OMIM 145600.
RYR1-related disorder. Also called: RYR1-related disorders; RYR1-related condition. Identifiers: MedGen CN239331.

gnomAD v4.1: 2 of 1,613,786 alleles (0.00012%); highest among the groups gnomAD compares: Non-Finnish European, 0.000085%; no homozygotes.

Submissions (2):

All of Us Research Program, National Institutes of Health
Classification: Uncertain significance for Malignant hyperthermia, susceptibility to, 1. Last evaluated: 2024-04-16. Review status: criteria provided, single submitter. Criteria: ACMG Guidelines, 2015. Collection method: clinical testing. Allele origin: germline. Inheritance: Autosomal dominant inheritance. Observed: 1 variant allele, 1 heterozygote.
Comment: This missense variant replaces threonine with alanine at codon 1162 of the RYR1 protein. Computational prediction suggests that this variant may have deleterious impact on protein structure and function (internally defined REVEL score threshold >= 0.7, PMID: 27666373). To our knowledge, functional studies have not been reported for this variant. This variant has not been reported in individuals affected with RYR1-related disorders in the literature. This variant has been identified in 1/251488 chromosomes in the general population by the Genome Aggregation Database (gnomAD). The available evidence is insufficient to determine the role of this variant in disease conclusively. Therefore, this variant is classified as a Variant of Uncertain Significance.

This study involves interpretation of variants in research participants for the purpose of population health screening. Participant phenotype was not available at the time of variant classification. Additional details can be found in publication PMID: 35346344, PMCID: PMC8962531

Labcorp Genetics (formerly Invitae), Labcorp
Classification: Uncertain significance for RYR1-related disorder. Last evaluated: 2024-03-02. Review status: criteria provided, single submitter. Criteria: Invitae Variant Classification Sherloc (09022015). Collection method: clinical testing. Allele origin: germline.
Comment: This sequence change replaces threonine, which is neutral and polar, with alanine, which is neutral and non-polar, at codon 1162 of the RYR1 protein (p.Thr1162Ala). This variant is present in population databases (no rsID available, gnomAD 0.0009%). This variant has not been reported in the literature in individuals affected with RYR1-related conditions. Advanced modeling of protein sequence and biophysical properties (such as structural, functional, and spatial information, amino acid conservation, physicochemical variation, residue mobility, and thermodynamic stability) has been performed at Invitae for this missense variant, however the output from this modeling did not meet the statistical confidence thresholds required to predict the impact of this variant on RYR1 protein function. In summary, the available evidence is currently insufficient to determine the role of this variant in disease. Therefore, it has been classified as a Variant of Uncertain Significance.

NM_000540.3(RYR1):c.3484A>G (p.Thr1162Ala)

Gene: RYR1 (ryanodine receptor 1; plus strand). Cytogenetic location: 19q13.2.
Variant type: single nucleotide variant.
Coding change: c.3484A>G on transcript NM_000540.3 (MANE Select); coding-DNA position 3484, A replaced by G.
Protein change: p.Thr1162Ala; replaces threonine 1162 with alanine.
Molecular consequence: missense variant.
Genome position (GRCh38, 1-based): chr19:38,469,068, A>G. VCF-style: chr19-38469068-A-G. GRCh37 (hg19) VCF-style: chr19-38959708-A-G.
Other names: c.3484A>G, p.Thr1162Ala (NM_001042723.2); short protein forms T1162A.
Identifiers: ClinVar variation 3387685 (VCV003387685.3).
Genomic context (GRCh38, chr19:38,469,068, plus strand): 5'-TGGCAGCCGGGCGATGTCGTTGGCTGTATGATCGACCTCACAGAGAACACCATTATCTTC[A>G]CCCTCAATGGCGAGGTCCTCATGTCTGACTCAGGCTCCGAAACAGCCTTCCGGGAGATTG-3'
Protein context (NP_000531.2, residues 1152-1172): IDLTENTIIF[Thr1162Ala]LNGEVLMSDS